The following is an entry in ClinVar:

NM_000069.3(CACNA1S):c.1151-15C>T

Gene: CACNA1S (calcium voltage-gated channel subunit alpha1 S; minus strand). Cytogenetic location: 1q32.1.
Variant type: single nucleotide variant.
Coding change: c.1151-15C>T on transcript NM_000069.3 (MANE Select); 15 bases into the intron before coding-DNA position 1151, C replaced by T.
Molecular consequence: intron variant.
Genome position (GRCh38, 1-based): chr1:201,085,046, G>A on the plus strand (C>T on the coding strand, the complement: CACNA1S is on the minus strand). VCF-style: chr1-201085046-G-A. GRCh37 (hg19) VCF-style: chr1-201054174-G-A.
Identifiers: ClinVar variation 3386393 (VCV003386393.1).

ClinVar aggregate classification (germline): Likely benign (1 of 4 stars; one submission).

Conditions:
Malignant hyperthermia, susceptibility to, 5 (MHS5). Also called: CACNA1S-Related Malignant Hyperthermia Susceptibility. Identifiers: Orphanet 423, MedGen C1866077, MONDO:0011163, OMIM 601887.

Submission:

All of Us Research Program, National Institutes of Health
Classification: Likely benign for Malignant hyperthermia, susceptibility to, 5. Last evaluated: 2024-06-09. Review status: criteria provided, single submitter. Criteria: ACMG Guidelines, 2015. Collection method: clinical testing. Allele origin: germline. Inheritance: Autosomal dominant inheritance. Observed: 1 variant allele, 1 heterozygote.
Comment: This study involves interpretation of variants in research participants for the purpose of population health screening. Participant phenotype was not available at the time of variant classification. Additional details can be found in publication PMID: 35346344, PMCID: PMC8962531